The following is an entry in ClinVar:

NM_001625.4(AK2):c.219+148A>G

Gene: AK2 (adenylate kinase 2; minus strand). Cytogenetic location: 1p35.1.
Variant type: single nucleotide variant.
Coding change: c.219+148A>G on transcript NM_001625.4 (MANE Select); 148 bases into the intron after coding-DNA position 219, A replaced by G.
Molecular consequence: intron variant.
Genome position (GRCh38, 1-based): chr1:33,024,294, T>C on the plus strand (A>G on the coding strand, the complement: AK2 is on the minus strand). VCF-style: chr1-33024294-T-C. GRCh37 (hg19) VCF-style: chr1-33489895-T-C.
Other names: c.219+148A>G (NM_013411.5, NM_001319143.2, NM_001199199.3 and 1 more transcripts); c.94-2591A>G (NM_001319142.3); c.75+148A>G (NM_001319139.3, NM_001319140.2).
Identifiers: ClinVar variation 1706720 (VCV001706720.2), dbSNP rs115272084, ClinGen allele CA20312148.
Genomic context (GRCh38, chr1:33,024,294, plus strand): 5'-TGTTCAACAGAATTTTGTTTGATGATGGAAAGTTCTGTATCAGCGTTGGCTGGTAAATAC[T>C]TGAAATATGGCTAGTGCAACTGAGGAACTGATTTTTACATTAATTAAATTAATCTAAATA-3'

ClinVar aggregate classification (germline): Likely benign (1 of 4 stars; one submission).

Allele frequency attached by ClinVar (database versions not stated): gnomAD exomes 0.00060; gnomAD 0.00522; TOPMed 0.00609; 1000 Genomes Project 0.00839; 1000 Genomes Project 30x 0.00843.
gnomAD v4.1: 1,407 of 1,120,414 alleles (0.13%); highest among the groups gnomAD compares: African/African-American, 1.7%; 12 homozygotes.

Submission:

GeneDx
Classification: Likely benign. Last evaluated: 2019-03-21. Review status: criteria provided, single submitter. Criteria: GeneDx Variant Classification Process June 2021. Collection method: clinical testing. Allele origin: germline. Affected: yes.
Comment: See Variant Classification Assertion Criteria.